The following is an entry in ClinVar:

ClinVar aggregate classification (germline): Uncertain significance (1 of 4 stars; one submission).

Submission:

GeneDx
Classification: Uncertain significance. Last evaluated: 2019-12-27. Review status: criteria provided, single submitter. Criteria: GeneDx Variant Classification Process June 2021. Collection method: clinical testing. Allele origin: germline. Affected: yes.
Comment: Has not been previously published as pathogenic or benign to our knowledge; Not observed in large population cohorts (Lek et al., 2016); In silico analysis, which includes protein predictors and evolutionary conservation, supports a deleterious effect

NM_000410.4(HFE):c.401G>C (p.Gly134Ala)

Gene: HFE (homeostatic iron regulator; plus strand). Cytogenetic location: 6p22.2.
Variant type: single nucleotide variant.
Coding change: c.401G>C on transcript NM_000410.4 (MANE Select); coding-DNA position 401, G replaced by C.
Protein change: p.Gly134Ala; replaces glycine 134 with alanine.
Molecular consequence: missense variant. On other transcripts: intron variant (4).
Genome position (GRCh38, 1-based): chr6:26,091,374, G>C. VCF-style: chr6-26091374-G-C. GRCh37 (hg19) VCF-style: chr6-26091602-G-C.
Other names: c.401G>C, p.Gly134Ala (NM_001300749.3, NM_001384164.1, NM_001406751.1 and 1 more transcripts); c.137G>C, p.Gly46Ala (NM_001406752.1, NM_139007.3, NM_139008.3); c.332G>C, p.Gly111Ala (NM_139009.3); c.340+270G>C (NM_139004.3, NM_139003.3); c.77-1311G>C (NM_139010.3); c.77-1745G>C (NM_139011.3); short protein forms G111A, G134A, G46A.
Identifiers: ClinVar variation 1316044 (VCV001316044.4), dbSNP rs2113752760, ClinGen allele CA363206531.